The following is an entry in ClinVar:

NM_004656.4(BAP1):c.1111A>G (p.Met371Val)

Gene: BAP1 (BRCA1 associated deubiquitinase 1; minus strand). Cytogenetic location: 3p21.1.
Variant type: single nucleotide variant.
Coding change: c.1111A>G on transcript NM_004656.4 (MANE Select); coding-DNA position 1111, A replaced by G.
Protein change: p.Met371Val; replaces methionine 371 with valine.
Molecular consequence: missense variant.
Genome position (GRCh38, 1-based): chr3:52,405,115, T>C on the plus strand (A>G on the coding strand, the complement: BAP1 is on the minus strand). VCF-style: chr3-52405115-T-C. GRCh37 (hg19) VCF-style: chr3-52439131-T-C.
Other names: c.1057A>G, p.Met353Val (NM_001410772.1); short protein forms M371V, M353V.
Identifiers: ClinVar variation 2736319 (VCV002736319.4), dbSNP rs2471335571, ClinGen allele CA353105067.
Genomic context (GRCh38, chr3:52,405,115, plus strand): 5'-TGCAGCCTCTCAAGAGAATCAAGTAGAGAATCCTGCAAGGGTGCTCCCAGCTTACCTGCA[T>C]GGGGGACTTGGCATAATTGTGATTGTCTAGAAAGGCCGGCAGCCGCTGGACAATGGGAGT-3'
Protein context (NP_004647.1, residues 361-381): LDNHNYAKSP[Met371Val]QEEEDLAAGV

ClinVar aggregate classification (germline): Uncertain significance. Review status: criteria provided, multiple submitters, no conflicts (2 of 4 stars). 2 submissions from 2 submitters: Uncertain significance (2). Last evaluated 2024-03-06.

Conditions:
Hereditary cancer-predisposing syndrome. Also called: Tumor predisposition; Hereditary Cancer Syndrome; Neoplastic Syndromes, Hereditary; Hereditary neoplastic syndrome. Identifiers: Orphanet 140162, MedGen C0027672, MeSH D009386, MONDO:0015356.
BAP1-related tumor predisposition syndrome (TPDS1). Also called: COMMON Syndrome; Tumor susceptibility linked to germline BAP1 mutations; TUMOR PREDISPOSITION SYNDROME 1; BAP1 tumor predisposition syndrome. Identifiers: Orphanet 289539, MedGen C3280492, MONDO:0013692, OMIM 614327.

Submissions (2):

Color Diagnostics, LLC DBA Color Health
Classification: Uncertain significance for Hereditary cancer-predisposing syndrome. Last evaluated: 2024-03-06. Review status: criteria provided, single submitter. Criteria: ACMG Guidelines, 2015. Collection method: clinical testing. Allele origin: germline.
Comment: This missense variant replaces methionine with valine at codon 371 of the BAP1 protein. Computational prediction suggests that this variant may not impact protein structure and function (internally defined REVEL score threshold <= 0.5, PMID: 27666373). To our knowledge, functional studies have not been reported for this variant. This variant has not been reported in individuals affected with hereditary cancer in the literature. This variant has not been identified in the general population by the Genome Aggregation Database (gnomAD). The available evidence is insufficient to determine the role of this variant in disease conclusively. Therefore, this variant is classified as a Variant of Uncertain Significance.

Labcorp Genetics (formerly Invitae), Labcorp
Classification: Uncertain significance for BAP1-related tumor predisposition syndrome. Last evaluated: 2022-12-19. Review status: criteria provided, single submitter. Criteria: Invitae Variant Classification Sherloc (09022015). Collection method: clinical testing. Allele origin: germline.
Comment: This sequence change replaces methionine, which is neutral and non-polar, with valine, which is neutral and non-polar, at codon 371 of the BAP1 protein (p.Met371Val). In summary, the available evidence is currently insufficient to determine the role of this variant in disease. Therefore, it has been classified as a Variant of Uncertain Significance. Advanced modeling of protein sequence and biophysical properties (such as structural, functional, and spatial information, amino acid conservation, physicochemical variation, residue mobility, and thermodynamic stability) performed at Invitae indicates that this missense variant is not expected to disrupt BAP1 protein function. This variant has not been reported in the literature in individuals affected with BAP1-related conditions. This variant is not present in population databases (gnomAD no frequency).